The following is an entry in ClinVar:

ClinVar aggregate classification (germline): Uncertain significance (1 of 4 stars; one submission).

gnomAD v4.1: 1 of 1,539,520 alleles (0.000065%); no homozygotes.

Submission:

Labcorp Genetics (formerly Invitae), Labcorp
Classification: Uncertain significance. Last evaluated: 2024-06-25. Review status: criteria provided, single submitter. Criteria: Invitae Variant Classification Sherloc (09022015). Collection method: clinical testing. Allele origin: germline.
Comment: This sequence change replaces threonine, which is neutral and polar, with alanine, which is neutral and non-polar, at codon 87 of the BEST1 protein (p.Thr87Ala). This variant is not present in population databases (gnomAD no frequency). This variant has not been reported in the literature in individuals affected with BEST1-related conditions. Advanced modeling of protein sequence and biophysical properties (such as structural, functional, and spatial information, amino acid conservation, physicochemical variation, residue mobility, and thermodynamic stability) performed at Invitae indicates that this missense variant is expected to disrupt BEST1 protein function with a positive predictive value of 95%. In summary, the available evidence is currently insufficient to determine the role of this variant in disease. Therefore, it has been classified as a Variant of Uncertain Significance.

NM_004183.4(BEST1):c.259A>G (p.Thr87Ala)

Gene: BEST1 (bestrophin 1; plus strand). Cytogenetic location: 11q12.3.
Variant type: single nucleotide variant.
Coding change: c.259A>G on transcript NM_004183.4 (MANE Select); coding-DNA position 259, A replaced by G.
Protein change: p.Thr87Ala; replaces threonine 87 with alanine.
Molecular consequence: missense variant. On other transcripts: non-coding transcript variant (1).
Genome position (GRCh38, 1-based): chr11:61,955,729, A>G. VCF-style: chr11-61955729-A-G. GRCh37 (hg19) VCF-style: chr11-61723201-A-G.
Other names: c.259A>G, p.Thr87Ala (NM_001363592.2); c.-917A>G (NM_001363593.3); c.79A>G, p.Thr27Ala (NM_001139443.3, NM_001300786.2, NM_001300787.2); c.-60A>G (NM_001363591.3); short protein forms T27A, T87A.
Identifiers: ClinVar variation 3695291 (VCV003695291.2).